The following is an entry in ClinVar:

ClinVar aggregate classification (germline): Likely pathogenic (1 of 4 stars; one submission).

Submission:

GeneDx
Classification: Likely pathogenic. Last evaluated: 2023-09-05. Review status: criteria provided, single submitter. Criteria: GeneDx Variant Classification Process June 2021. Collection method: clinical testing. Allele origin: germline.
Comment: Not observed at significant frequency in large population cohorts (gnomAD); In silico analysis supports that this missense variant has a deleterious effect on protein structure/function; Has not been previously published as pathogenic or benign to our knowledge

NM_001271.4(CHD2):c.2680G>A (p.Asp894Asn)

Gene: CHD2 (chromodomain helicase DNA binding protein 2; plus strand). Cytogenetic location: 15q26.1.
Variant type: single nucleotide variant.
Coding change: c.2680G>A on transcript NM_001271.4 (MANE Select); coding-DNA position 2680, G replaced by A.
Protein change: p.Asp894Asn; replaces aspartic acid 894 with asparagine.
Molecular consequence: missense variant.
Genome position (GRCh38, 1-based): chr15:92,978,336, G>A. VCF-style: chr15-92978336-G-A. GRCh37 (hg19) VCF-style: chr15-93521566-G-A.
Other names: short protein forms D894N.
Identifiers: ClinVar variation 2499910 (VCV002499910.2), dbSNP rs2505543281, ClinGen allele CA393893873.